The following is an entry in ClinVar:

ClinVar aggregate classification (germline): Uncertain significance (1 of 4 stars; one submission).

Submission:

Labcorp Genetics (formerly Invitae), Labcorp
Classification: Uncertain significance. Last evaluated: 2023-06-18. Review status: criteria provided, single submitter. Criteria: Invitae Variant Classification Sherloc (09022015). Collection method: clinical testing. Allele origin: germline.
Comment: Advanced modeling of protein sequence and biophysical properties (such as structural, functional, and spatial information, amino acid conservation, physicochemical variation, residue mobility, and thermodynamic stability) performed at Invitae indicates that this missense variant is not expected to disrupt FAT4 protein function. In summary, the available evidence is currently insufficient to determine the role of this variant in disease. Therefore, it has been classified as a Variant of Uncertain Significance. This variant has not been reported in the literature in individuals affected with FAT4-related conditions. This variant is not present in population databases (gnomAD no frequency). This sequence change replaces isoleucine, which is neutral and non-polar, with methionine, which is neutral and non-polar, at codon 1046 of the FAT4 protein (p.Ile1046Met).

NM_001291303.3(FAT4):c.3138A>G (p.Ile1046Met)

Gene: FAT4 (FAT atypical cadherin 4; plus strand). Cytogenetic location: 4q28.1.
Variant type: single nucleotide variant.
Coding change: c.3138A>G on transcript NM_001291303.3 (MANE Select); coding-DNA position 3138, A replaced by G.
Protein change: p.Ile1046Met; replaces isoleucine 1046 with methionine.
Molecular consequence: missense variant.
Genome position (GRCh38, 1-based): chr4:125,319,549, A>G. VCF-style: chr4-125319549-A-G. GRCh37 (hg19) VCF-style: chr4-126240704-A-G.
Other names: c.3138A>G, p.Ile1046Met (NM_001291285.3, NM_024582.6); short protein forms I1046M.
Identifiers: ClinVar variation 2719054 (VCV002719054.3), dbSNP rs2530440772, ClinGen allele CA358121849.
Genomic context (GRCh38, chr4:125,319,549, plus strand): 5'-AGCAAATGGTGAAATTGCATACACCATTGCTGAAGGAAATACAGGGGATGCTTTTGGCAT[A>G]TTCCCAGATGGTCAATTGTATATAAAAAGTGAACTGGACCGTGAACTTCAAGACAGATAT-3'
Protein context (NP_001278232.1, residues 1036-1056): AEGNTGDAFG[Ile1046Met]FPDGQLYIKS